The following is an entry in ClinVar:

Conditions:
Long QT syndrome 5 (LQT5). Identifiers: Orphanet 101016, Orphanet 768, MedGen C1867904, MONDO:0013372, OMIM 613695.

Submission:

Roden Lab, Vanderbilt University Medical Center
No classification provided (evidence only). Condition: Long QT syndrome 5. Review status: no classification provided. Collection method: in vitro. Allele origin: not applicable. Functional consequence: Effect on ion channel function.
ClinVar note: "not provided" was previously submitted as the classification for the variant. However, the classification appeared to be based only on an observation of functional data so it was converted to no classification on 2025-07-30.

NM_000219.6(KCNE1):c.97A>T (p.Arg33Trp)

Gene: KCNE1 (potassium voltage-gated channel subfamily E regulatory subunit 1; minus strand). Cytogenetic location: 21q22.12.
Variant type: single nucleotide variant.
Coding change: c.97A>T on transcript NM_000219.6 (MANE Select); coding-DNA position 97, A replaced by T.
Protein change: p.Arg33Trp; replaces arginine 33 with tryptophan.
Molecular consequence: missense variant.
Genome position (GRCh38, 1-based): chr21:34,449,538, T>A on the plus strand (A>T on the coding strand, the complement: KCNE1 is on the minus strand). VCF-style: chr21-34449538-T-A. GRCh37 (hg19) VCF-style: chr21-35821836-T-A.
Other names: c.97A>T, p.Arg33Trp (NM_001127668.4, NM_001127669.4, NM_001127670.4 and 4 more transcripts); short protein forms R33W.
Identifiers: ClinVar variation 3374040 (VCV003374040.2).